The following is an entry in ClinVar:

ClinVar aggregate classification (germline): Likely benign (1 of 4 stars; one submission).

Submission:

CeGaT Center for Human Genetics Tuebingen
Classification: Likely benign. Last evaluated: 2022-04-01. Review status: criteria provided, single submitter. Criteria: CeGaT Center For Human Genetics Tuebingen Variant Classification Criteria Version 2. Collection method: clinical testing. Allele origin: germline. Affected: yes. Observed: 2 variant alleles.
Comment: FAM230A: BP4, BP7

NC_000022.11:g.20356060G>A

Variant type: single nucleotide variant.
Genome position: GRCh38 VCF-style: chr22-20356060-G-A. GRCh37 (hg19) VCF-style: chr22-20710350-G-A.
Identifiers: ClinVar variation 2652894 (VCV002652894.24), dbSNP rs183764897, ClinGen allele CA10111033.